The following is an entry in ClinVar:

NM_000465.4(BARD1):c.1904-3C>T

Gene: BARD1 (BRCA1 associated RING domain 1; minus strand). Cytogenetic location: 2q35.
Variant type: single nucleotide variant.
Coding change: c.1904-3C>T on transcript NM_000465.4 (MANE Select); 3 bases into the intron before coding-DNA position 1904, C replaced by T.
Molecular consequence: intron variant.
Genome position (GRCh38, 1-based): chr2:214,730,511, G>A on the plus strand (C>T on the coding strand, the complement: BARD1 is on the minus strand). VCF-style: chr2-214730511-G-A. GRCh37 (hg19) VCF-style: chr2-215595235-G-A.
Other names: c.494-3C>T (NM_001282548.2); c.1847-3C>T (NM_001282543.2); c.551-3C>T (NM_001282545.2); c.365-3C>T (NM_001282549.2); c.1904-3C>T (LRG_297t1).
Identifiers: ClinVar variation 233368 (VCV000233368.22), dbSNP rs876660360, ClinGen allele CA10577780.

ClinVar aggregate classification (germline): Conflicting classifications of pathogenicity. Review status: criteria provided, conflicting classifications (1 of 4 stars). 6 submissions from 6 submitters: Uncertain significance (4); Likely benign (2). Last evaluated 2025-08-06.

Conditions:
BARD1-related disorder. Also called: BARD1-related condition.
Hereditary cancer-predisposing syndrome. Also called: Neoplastic Syndromes, Hereditary; Tumor predisposition; Hereditary Cancer Syndrome; Hereditary neoplastic syndrome. Identifiers: Orphanet 140162, MedGen C0027672, MeSH D009386, MONDO:0015356.
Familial cancer of breast. Also called: hereditary breast carcinoma; BREAST CANCER, FAMILIAL; Hereditary breast cancer. Identifiers: Orphanet 227535, MedGen C0346153, MONDO:0016419, OMIM 114480. Disease mechanism: loss of function.

gnomAD v4.1: 3 of 1,611,656 alleles (0.00019%); highest among the groups gnomAD compares: East Asian, 0.0022%; no homozygotes.

Submissions (6):

Ambry Genetics
Classification: Uncertain significance for Hereditary cancer-predisposing syndrome. Last evaluated: 2025-08-06. Review status: criteria provided, single submitter. Criteria: Ambry Variant Classification Scheme 2023. Collection method: clinical testing. Allele origin: germline.
Comment: The c.1904-3C>T intronic variant results from a C to T substitution 3 nucleotides upstream from coding exon 10 in the BARD1 gene. This nucleotide position is not well conserved in available vertebrate species. In silico splice site analysis predicts that this alteration will not have any significant effect on splicing; however, direct evidence is insufficient at this time (Ambry internal data). Since supporting evidence is limited at this time, the clinical significance of this alteration remains unclear.

St. Jude Molecular Pathology, St. Jude Children's Research Hospital
Classification: Uncertain significance for Familial cancer of breast. Last evaluated: 2025-06-17. Review status: criteria provided, single submitter. Criteria: St. Jude Assertion Criteria 2020. Collection method: clinical testing. Allele origin: germline.
Comment: The BARD1 c.1904-3C>T intronic change results in a C to T substitution at the -3 position of intron 9 of the BARD1 gene. Algorithms that predict the impact of sequence changes on splicing indicate that this variant likely does not affect splicing but to our knowledge these predictions have not been confirmed by RNA studies. This variant is absent in gnomAD v2.1.1. To our knowledge, this variant has not been reported in individuals with BARD1-related disease. In summary, the evidence currently available is insufficient to determine the clinical significance of this variant. It has therefore been classified as of uncertain significance.

PreventionGenetics, part of Exact Sciences
Classification: Likely benign for BARD1-related condition. Last evaluated: 2025-05-09. Review status: criteria provided, single submitter. Criteria: ACMG Guidelines, 2015. Collection method: clinical testing. Allele origin: germline.
Comment: This variant is classified as likely benign based on ACMG/AMP sequence variant interpretation guidelines (Richards et al. 2015 PMID: 25741868, with internal and published modifications).

Labcorp Genetics (formerly Invitae), Labcorp
Classification: Likely benign for Familial cancer of breast. Last evaluated: 2025-04-28. Review status: criteria provided, single submitter. Criteria: Invitae Variant Classification Sherloc (09022015). Collection method: clinical testing. Allele origin: germline.

Color Diagnostics, LLC DBA Color Health
Classification: Uncertain significance for Hereditary cancer-predisposing syndrome. Last evaluated: 2020-12-22. Review status: criteria provided, single submitter. Criteria: ACMG Guidelines, 2015. Collection method: clinical testing. Allele origin: germline.
Comment: This variant causes a C to T nucleotide substitution at the -3 position of intron 9 of the BARD1 gene. Splice site prediction tools suggest that this variant may not impact RNA splicing. To our knowledge, functional studies have not been reported for this variant. This variant has not been reported in individuals affected with hereditary cancer in the literature. This variant has not been identified in the general population by the Genome Aggregation Database (gnomAD). The available evidence is insufficient to determine the role of this variant in disease conclusively. Therefore, this variant is classified as a Variant of Uncertain Significance.

Women's Health and Genetics/Laboratory Corporation of America, LabCorp
Classification: Uncertain significance. Last evaluated: 2020-02-17. Review status: criteria provided, single submitter. Criteria: LabCorp Variant Classification Summary - May 2015. Collection method: clinical testing. Allele origin: germline.
Comment: Variant summary: BARD1 c.1904-3C>T alters a nucleotide located close to a canonical splice site and therefore could affect mRNA splicing, leading to a significantly altered protein sequence. Several computational tools predict a significant impact on normal splicing: Three predict the variant slightly weakens a 3' acceptor site. However, these predictions have yet to be confirmed by functional studies. The variant was absent in 251174 control chromosomes. The available data on variant occurrences in the general population are insufficient to allow any conclusion about variant significance. To our knowledge, no occurrence of c.1904-3C>T in individuals affected with Breast Cancer and no experimental evidence demonstrating its impact on protein function have been reported. Two clinical diagnostic laboratories have submitted clinical-significance assessments for this variant to ClinVar after 2014 without evidence for independent evaluation. All laboratories classified the variant as uncertain significance. Based on the evidence outlined above, the variant was classified as uncertain significance.